The following is an entry in ClinVar:

ClinVar aggregate classification (germline): Uncertain significance. Review status: criteria provided, multiple submitters, no conflicts (2 of 4 stars). 2 submissions from 2 submitters: Uncertain significance (2). Last evaluated 2023-12-19.

Conditions:
Inborn genetic diseases. Identifiers: MedGen C0950123, MeSH D030342.
Joubert syndrome 21 (JBTS21). Identifiers: MedGen C3810212, MONDO:0014288, OMIM 615636.

Allele frequency attached by ClinVar (database versions not stated): gnomAD 0.00001; TOPMed 0.00002.

Submissions (2):

Ambry Genetics
Classification: Uncertain significance for Inborn genetic diseases. Last evaluated: 2023-12-19. Review status: criteria provided, single submitter. Criteria: Ambry Variant Classification Scheme 2023. Collection method: clinical testing. Allele origin: germline.

Labcorp Genetics (formerly Invitae), Labcorp
Classification: Uncertain significance for Joubert syndrome 21. Last evaluated: 2022-07-26. Review status: criteria provided, single submitter. Criteria: Invitae Variant Classification Sherloc (09022015). Collection method: clinical testing. Allele origin: germline.
Comment: In summary, the available evidence is currently insufficient to determine the role of this variant in disease. Therefore, it has been classified as a Variant of Uncertain Significance. Algorithms developed to predict the effect of missense changes on protein structure and function (SIFT, PolyPhen-2, Align-GVGD) all suggest that this variant is likely to be disruptive. ClinVar contains an entry for this variant (Variation ID: 1417117). This variant has not been reported in the literature in individuals affected with CSPP1-related conditions. This variant is not present in population databases (gnomAD no frequency). This sequence change replaces lysine, which is basic and polar, with asparagine, which is neutral and polar, at codon 407 of the CSPP1 protein (p.Lys407Asn).

NM_001382391.1(CSPP1):c.1194A>T (p.Lys398Asn)

Gene: CSPP1 (centrosome and spindle pole associated protein 1; plus strand). Cytogenetic location: 8q13.2.
Variant type: single nucleotide variant.
Coding change: c.1194A>T on transcript NM_001382391.1 (MANE Select); coding-DNA position 1194, A replaced by T.
Protein change: p.Lys398Asn; replaces lysine 398 with asparagine.
Molecular consequence: missense variant.
Genome position (GRCh38, 1-based): chr8:67,113,811, A>T. VCF-style: chr8-67113811-A-T. GRCh37 (hg19) VCF-style: chr8-68026046-A-T.
Other names: c.339A>T, p.Lys113Asn (NM_001291339.2); c.1113A>T, p.Lys371Asn (NM_001363131.2, NM_001363133.2); c.1194A>T, p.Lys398Asn (NM_001363132.2); c.1302A>T, p.Lys434Asn (NM_001364869.1); c.1122A>T, p.Lys374Asn (NM_001364870.1); c.1221A>T, p.Lys407Asn (NM_024790.7); short protein forms K113N, K371N, K398N, K374N, K407N, K434N.
Identifiers: ClinVar variation 1417117 (VCV001417117.7), dbSNP rs1037020711, ClinGen allele CA178207542.